The following is an entry in ClinVar:

ClinVar aggregate classification (germline): Uncertain significance (1 of 4 stars; one submission).

Conditions:
Hereditary cancer-predisposing syndrome. Also called: Hereditary neoplastic syndrome; Tumor predisposition; Hereditary Cancer Syndrome; Neoplastic Syndromes, Hereditary. Identifiers: Orphanet 140162, MedGen C0027672, MeSH D009386, MONDO:0015356.

Submission:

Ambry Genetics
Classification: Uncertain significance for Hereditary cancer-predisposing syndrome. Last evaluated: 2023-09-14. Review status: criteria provided, single submitter. Criteria: Ambry Variant Classification Scheme 2023. Collection method: clinical testing. Allele origin: germline.
Comment: The c.2070+4G>C intronic variant results from a G to C substitution 4 nucleotides after coding exon 13 in the NBN gene. This nucleotide position is not well conserved in available vertebrate species. In silico splice site analysis predicts that this alteration will not have any significant effect on splicing. Since supporting evidence is limited at this time, the clinical significance of this alteration remains unclear.

NM_002485.5(NBN):c.2070+4G>C

Gene: NBN (nibrin; minus strand). Cytogenetic location: 8q21.3.
Variant type: single nucleotide variant.
Coding change: c.2070+4G>C on transcript NM_002485.5 (MANE Select); 4 bases into the intron after coding-DNA position 2070, G replaced by C.
Molecular consequence: intron variant.
Genome position (GRCh38, 1-based): chr8:89,946,136, C>G on the plus strand (G>C on the coding strand, the complement: NBN is on the minus strand). VCF-style: chr8-89946136-C-G. GRCh37 (hg19) VCF-style: chr8-90958364-C-G.
Other names: c.1824+4G>C (NM_001024688.3).
Identifiers: ClinVar variation 2586819 (VCV002586819.2), dbSNP rs876660950, ClinGen allele CA2582341965.
Genomic context (GRCh38, chr8:89,946,136, plus strand): 5'-CATCACTGGTATCTCTAAAAACATTTCAAACACTGACCTCTTGTGATACAGTTGAAATAC[C>G]TACCTTTTTGAATTTCTTGAAATTTTTTAGTTGACCATAATCATCATTTATGCCAGATGG-3'